The following is an entry in ClinVar:

NM_020911.2(PLXNA4):c.2587-8C>G

Gene: PLXNA4 (plexin A4; minus strand). Cytogenetic location: 7q32.3.
Variant type: single nucleotide variant.
Coding change: c.2587-8C>G on transcript NM_020911.2 (MANE Select); 8 bases into the intron before coding-DNA position 2587, C replaced by G.
Molecular consequence: intron variant.
Genome position (GRCh38, 1-based): chr7:132,198,644, G>C on the plus strand (C>G on the coding strand, the complement: PLXNA4 is on the minus strand). VCF-style: chr7-132198644-G-C. GRCh37 (hg19) VCF-style: chr7-131883403-G-C.
Other names: c.2587-8C>G (NM_001393897.1).
Identifiers: ClinVar variation 4994903 (VCV004994903.1).

ClinVar aggregate classification (germline): Likely benign (1 of 4 stars; one submission).

Conditions:
PLXNA4-related disorder. Also called: PLXNA4-related condition.

Submission:

PreventionGenetics, part of Exact Sciences
Classification: Likely benign for PLXNA4-related condition. Last evaluated: 2025-10-27. Review status: criteria provided, single submitter. Criteria: ACMG Guidelines, 2015. Collection method: clinical testing. Allele origin: germline.
Comment: This variant is classified as likely benign based on ACMG/AMP sequence variant interpretation guidelines (Richards et al. 2015 PMID: 25741868, with internal and published modifications).